The following is an entry in ClinVar:

NM_001193315.2(VIPAS39):c.1450C>T (p.Leu484Phe)

Gene: VIPAS39 (VPS33B interacting protein, apical-basolateral polarity regulator, spe-39 homolog; minus strand). Cytogenetic location: 14q24.3.
Variant type: single nucleotide variant.
Coding change: c.1450C>T on transcript NM_001193315.2 (MANE Select); coding-DNA position 1450, C replaced by T.
Protein change: p.Leu484Phe; replaces leucine 484 with phenylalanine.
Molecular consequence: missense variant.
Genome position (GRCh38, 1-based): chr14:77,428,381, G>A on the plus strand (C>T on the coding strand, the complement: VIPAS39 is on the minus strand). VCF-style: chr14-77428381-G-A. GRCh37 (hg19) VCF-style: chr14-77894724-G-A.
Other names: p.Leu484Phe; c.1450C>T, p.Leu484Phe (NM_001193314.2, NM_001193317.2, NM_022067.4); c.1303C>T, p.Leu435Phe (NM_001193316.2); short protein forms L484F, L435F.
Identifiers: ClinVar variation 791401 (VCV000791401.12), dbSNP rs75211061, ClinGen allele CA7287711.

ClinVar aggregate classification (germline): Benign/Likely benign. Review status: criteria provided, multiple submitters, no conflicts (2 of 4 stars). 3 submissions from 3 submitters: Benign (2); Likely benign (1). Last evaluated 2026-02-01.

Allele frequency attached by ClinVar (database versions not stated): ESP Exome Variant Server 0.00008; gnomAD exomes 0.00112 and 0.00390; gnomAD 0.00142 and 0.00184; TOPMed 0.00196; ExAC 0.00340; 1000 Genomes Project 30x 0.00750; 1000 Genomes Project 0.00859.
gnomAD v4.1: 2,007 of 1,613,954 alleles (0.12%); highest among the groups gnomAD compares: East Asian, 3.7%; 42 homozygotes.

Submissions (3):

Labcorp Genetics (formerly Invitae), Labcorp
Classification: Benign. Last evaluated: 2026-02-01. Review status: criteria provided, single submitter. Criteria: Invitae Variant Classification Sherloc (09022015). Collection method: clinical testing. Allele origin: germline.

Mayo Clinic Laboratories, Mayo Clinic
Classification: Likely benign. Last evaluated: 2024-06-17. Review status: criteria provided, single submitter. Criteria: ACMG Guidelines, 2015. Collection method: clinical testing. Allele origin: germline. Observed: 5 variant alleles.
Comment: BS1, BS2, PP3, PM1_supporting

Breakthrough Genomics
Classification: Benign. Review status: criteria provided, single submitter. Criteria: ACMG Guidelines, 2015. Collection method: not provided. Allele origin: germline. Inheritance: Autosomal recessive inheritance. Affected: yes.

Literature cited by the submitters: PubMed 22753090 (cited by Mayo Clinic Laboratories, Mayo Clinic); PubMed 28748566 (cited by Mayo Clinic Laboratories, Mayo Clinic).